The following is an entry in ClinVar:

ClinVar aggregate classification (germline): Benign/Likely benign. Review status: criteria provided, multiple submitters, no conflicts (2 of 4 stars). 9 submissions from 9 submitters: Benign (3); Likely benign (4). 2 of the submissions do not count toward it. Last evaluated 2026-02-01.

Allele frequency attached by ClinVar (database versions not stated): gnomAD exomes 0.00183 and 0.00327; 1000 Genomes Project 0.00280; ExAC 0.00283; 1000 Genomes Project 30x 0.00344; ESP Exome Variant Server 0.00392; gnomAD 0.00396 and 0.00412; TOPMed 0.00474.
gnomAD v4.1: 3,488 of 1,613,474 alleles (0.22%); highest among the groups gnomAD compares: Middle Eastern, 1.8%; 22 homozygotes.

Submissions (9):

Labcorp Genetics (formerly Invitae), Labcorp
Classification: Benign. Last evaluated: 2026-02-01. Review status: criteria provided, single submitter. Criteria: Invitae Variant Classification Sherloc (09022015). Collection method: clinical testing. Allele origin: germline.

CeGaT Center for Human Genetics Tuebingen
Classification: Likely benign. Last evaluated: 2025-03-01. Review status: criteria provided, single submitter. Criteria: CeGaT Center For Human Genetics Tuebingen Variant Classification Criteria Version 2. Collection method: clinical testing. Allele origin: germline. Affected: yes. Observed: 3 variant alleles.
Comment: CRB2: BP4, BP7

Blueprint Genetics
Classification: Likely benign. Last evaluated: 2024-11-13. Review status: criteria provided, single submitter. Criteria: ACMG Guidelines, 2015. Collection method: clinical testing. Allele origin: germline.

Mayo Clinic Laboratories, Mayo Clinic
Classification: Benign. Last evaluated: 2024-10-10. Review status: criteria provided, single submitter. Criteria: ACMG Guidelines, 2015. Collection method: clinical testing. Allele origin: germline. Observed: 1 variant allele.
Comment: BS1, BS2, BP4, BP7

Genetic Services Laboratory, University of Chicago
Classification: Benign. Last evaluated: 2021-04-19. Review status: criteria provided, single submitter. Criteria: ACMG Guidelines, 2015. Collection method: clinical testing. Allele origin: germline. Affected: no.

GeneDx
Classification: Likely benign. Last evaluated: 2021-01-07. Review status: criteria provided, single submitter. Criteria: GeneDx Variant Classification Process June 2021. Collection method: clinical testing. Allele origin: germline. Affected: yes.
Comment: This variant is associated with the following publications: (PMID: 15851977)

Breakthrough Genomics
Classification: Likely benign. Review status: criteria provided, single submitter. Criteria: ACMG Guidelines, 2015. Collection method: not provided. Allele origin: germline. Inheritance: Autosomal recessive inheritance. Affected: yes.

Clinical Genetics DNA and cytogenetics Diagnostics Lab, Erasmus MC, Erasmus Medical Center
Classification: Likely benign. Review status: no assertion criteria provided. Collection method: clinical testing. Allele origin: germline. Affected: yes. Study: VKGL Data-share Consensus. Not counted in ClinVar's aggregate classification.

Genome Diagnostics Laboratory, University Medical Center Utrecht
Classification: Likely benign. Review status: no assertion criteria provided. Collection method: clinical testing. Allele origin: germline. Affected: yes. Study: VKGL Data-share Consensus. Not counted in ClinVar's aggregate classification.

NM_173689.7(CRB2):c.1428T>G (p.Thr476=)

Gene: CRB2 (crumbs cell polarity complex component 2; plus strand). Cytogenetic location: 9q33.3.
Variant type: single nucleotide variant.
Coding change: c.1428T>G on transcript NM_173689.7 (MANE Select); coding-DNA position 1428, T replaced by G.
Protein change: p.Thr476=; no amino-acid change (threonine 476 retained).
Molecular consequence: synonymous variant. On other transcripts: non-coding transcript variant (1).
Genome position (GRCh38, 1-based): chr9:123,370,481, T>G. VCF-style: chr9-123370481-T-G. GRCh37 (hg19) VCF-style: chr9-126132760-T-G.
Other names: p.Thr476=.
Identifiers: ClinVar variation 771881 (VCV000771881.44), dbSNP rs142345530, ClinGen allele CA5231973.